The following is an entry in ClinVar:

ClinVar aggregate classification (germline): Uncertain significance (1 of 4 stars; one submission).

Conditions:
Hereditary hyperekplexia. Identifiers: Orphanet 3197, MedGen C4084968, MONDO:0021022.

Submission:

Labcorp Genetics (formerly Invitae), Labcorp
Classification: Uncertain significance for Hereditary hyperekplexia. Last evaluated: 2024-02-24. Review status: criteria provided, single submitter. Criteria: Invitae Variant Classification Sherloc (09022015). Collection method: clinical testing. Allele origin: germline.
Comment: This sequence change replaces asparagine, which is neutral and polar, with serine, which is neutral and polar, at codon 89 of the GLRA1 protein (p.Asn89Ser). This variant is not present in population databases (gnomAD no frequency). This variant has not been reported in the literature in individuals affected with GLRA1-related conditions. ClinVar contains an entry for this variant (Variation ID: 1461653). Advanced modeling of protein sequence and biophysical properties (such as structural, functional, and spatial information, amino acid conservation, physicochemical variation, residue mobility, and thermodynamic stability) has been performed at Invitae for this missense variant, however the output from this modeling did not meet the statistical confidence thresholds required to predict the impact of this variant on GLRA1 protein function. In summary, the available evidence is currently insufficient to determine the role of this variant in disease. Therefore, it has been classified as a Variant of Uncertain Significance.

NM_000171.4(GLRA1):c.266A>G (p.Asn89Ser)

Gene: GLRA1 (glycine receptor alpha 1; minus strand). Cytogenetic location: 5q33.1.
Variant type: single nucleotide variant.
Coding change: c.266A>G on transcript NM_000171.4 (MANE Select); coding-DNA position 266, A replaced by G.
Protein change: p.Asn89Ser; replaces asparagine 89 with serine.
Molecular consequence: missense variant.
Genome position (GRCh38, 1-based): chr5:151,859,995, T>C on the plus strand (A>G on the coding strand, the complement: GLRA1 is on the minus strand). VCF-style: chr5-151859995-T-C. GRCh37 (hg19) VCF-style: chr5-151239556-T-C.
Other names: c.266A>G, p.Asn89Ser (NM_001146040.2); c.17A>G, p.Asn6Ser (NM_001292000.2); short protein forms N6S, N89S.
Identifiers: ClinVar variation 1461653 (VCV001461653.8), dbSNP rs2113359473, ClinGen allele CA361842311.